The following is an entry in ClinVar:

NM_004385.5(VCAN):c.9200A>G (p.Asn3067Ser)

Genes: VCAN (versican; plus strand), VCAN-AS1 (VCAN antisense RNA 1; minus strand). Cytogenetic location: 5q14.3.
Variant type: single nucleotide variant.
Coding change: c.9200A>G on transcript NM_004385.5 (MANE Select); coding-DNA position 9200, A replaced by G.
Protein change: p.Asn3067Ser; replaces asparagine 3067 with serine.
Molecular consequence: missense variant. On other transcripts: intron variant (2).
Genome position (GRCh38, 1-based): chr5:83,542,203, A>G. VCF-style: chr5-83542203-A-G. GRCh37 (hg19) VCF-style: chr5-82838022-A-G.
Other names: c.6239A>G, p.Asn2080Ser (NM_001164097.2); c.4004-3334A>G (NM_001164098.2); c.1043-3334A>G (NM_001126336.3); short protein forms N3067S, N2080S.
Identifiers: ClinVar variation 2089875 (VCV002089875.4), dbSNP rs2479126690, ClinGen allele CA360295420.

ClinVar aggregate classification (germline): Uncertain significance (1 of 4 stars; one submission).

Allele frequency attached by ClinVar (database versions not stated): gnomAD exomes below 0.00001.
gnomAD v4.1: 2 of 1,614,100 alleles (0.00012%); highest among the groups gnomAD compares: Non-Finnish European, 0.000085%; no homozygotes.

Submission:

Labcorp Genetics (formerly Invitae), Labcorp
Classification: Uncertain significance. Last evaluated: 2022-01-26. Review status: criteria provided, single submitter. Criteria: Invitae Variant Classification Sherloc (09022015). Collection method: clinical testing. Allele origin: germline.
Comment: This sequence change replaces asparagine, which is neutral and polar, with serine, which is neutral and polar, at codon 3067 of the VCAN protein (p.Asn3067Ser). In summary, the available evidence is currently insufficient to determine the role of this variant in disease. Therefore, it has been classified as a Variant of Uncertain Significance. Algorithms developed to predict the effect of missense changes on protein structure and function are either unavailable or do not agree on the potential impact of this missense change (SIFT: "Deleterious"; PolyPhen-2: "Benign"; Align-GVGD: "Class C45"). This variant has not been reported in the literature in individuals affected with VCAN-related conditions. This variant is not present in population databases (gnomAD no frequency).